The following is an entry in ClinVar:

NM_001012301.4(ARSI):c.1153C>T (p.Arg385Cys)

Gene: ARSI (arylsulfatase family member I; minus strand). Cytogenetic location: 5q32.
Variant type: single nucleotide variant.
Coding change: c.1153C>T on transcript NM_001012301.4 (MANE Select); coding-DNA position 1153, C replaced by T.
Protein change: p.Arg385Cys; replaces arginine 385 with cysteine.
Molecular consequence: missense variant.
Genome position (GRCh38, 1-based): chr5:150,297,771, G>A on the plus strand (C>T on the coding strand, the complement: ARSI is on the minus strand). VCF-style: chr5-150297771-G-A. GRCh37 (hg19) VCF-style: chr5-149677334-G-A.
Other names: short protein forms R385C.
Identifiers: ClinVar variation 664279 (VCV000664279.8), dbSNP rs376385573, ClinGen allele CA129123230.

ClinVar aggregate classification (germline): Uncertain significance (1 of 4 stars; one submission).

Conditions:
Spastic paraplegia. Identifiers: MedGen C0037772, HP:0001258.

Allele frequency attached by ClinVar (database versions not stated): gnomAD exomes 0.00001; TOPMed 0.00002; ESP Exome Variant Server 0.00008.

Submission:

Labcorp Genetics (formerly Invitae), Labcorp
Classification: Uncertain significance for Spastic paraplegia. Last evaluated: 2024-08-27. Review status: criteria provided, single submitter. Criteria: Invitae Variant Classification Sherloc (09022015). Collection method: clinical testing. Allele origin: germline.
Comment: This sequence change replaces arginine, which is basic and polar, with cysteine, which is neutral and slightly polar, at codon 385 of the ARSI protein (p.Arg385Cys). This variant is present in population databases (rs376385573, gnomAD 0.003%). This variant has not been reported in the literature in individuals affected with ARSI-related conditions. ClinVar contains an entry for this variant (Variation ID: 664279). Invitae Evidence Modeling of protein sequence and biophysical properties (such as structural, functional, and spatial information, amino acid conservation, physicochemical variation, residue mobility, and thermodynamic stability) indicates that this missense variant is expected to disrupt ARSI protein function with a positive predictive value of 80%. In summary, the available evidence is currently insufficient to determine the role of this variant in disease. Therefore, it has been classified as a Variant of Uncertain Significance.